The following is an entry in ClinVar:

ClinVar aggregate classification (germline): Uncertain significance (1 of 4 stars; one submission).

Allele frequency attached by ClinVar (database versions not stated): gnomAD exomes below 0.00001 and 0.00001; TOPMed below 0.00001; gnomAD 0.00001.
gnomAD v4.1: 3 of 1,611,766 alleles (0.00019%); highest among the groups gnomAD compares: Admixed American, 0.0033%; no homozygotes.

Submission:

Labcorp Genetics (formerly Invitae), Labcorp
Classification: Uncertain significance. Last evaluated: 2022-07-12. Review status: criteria provided, single submitter. Criteria: Invitae Variant Classification Sherloc (09022015). Collection method: clinical testing. Allele origin: germline.
Comment: This sequence change replaces histidine, which is basic and polar, with tyrosine, which is neutral and polar, at codon 775 of the KCNH1 protein (p.His775Tyr). This variant is present in population databases (no rsID available, gnomAD 0.006%). This variant has not been reported in the literature in individuals affected with KCNH1-related conditions. ClinVar contains an entry for this variant (Variation ID: 1407874). Advanced modeling of protein sequence and biophysical properties (such as structural, functional, and spatial information, amino acid conservation, physicochemical variation, residue mobility, and thermodynamic stability) performed at Invitae indicates that this missense variant is not expected to disrupt KCNH1 protein function. Algorithms developed to predict the effect of sequence changes on RNA splicing suggest that this variant may create or strengthen a splice site. In summary, the available evidence is currently insufficient to determine the role of this variant in disease. Therefore, it has been classified as a Variant of Uncertain Significance.

NM_172362.3(KCNH1):c.2323C>T (p.His775Tyr)

Gene: KCNH1 (potassium voltage-gated channel subfamily H member 1; minus strand). Cytogenetic location: 1q32.2.
Variant type: single nucleotide variant.
Coding change: c.2323C>T on transcript NM_172362.3 (MANE Select); coding-DNA position 2323, C replaced by T.
Protein change: p.His775Tyr; replaces histidine 775 with tyrosine.
Molecular consequence: missense variant.
Genome position (GRCh38, 1-based): chr1:210,683,928, G>A on the plus strand (C>T on the coding strand, the complement: KCNH1 is on the minus strand). VCF-style: chr1-210683928-G-A. GRCh37 (hg19) VCF-style: chr1-210857270-G-A.
Other names: c.2242C>T, p.His748Tyr (NM_002238.4); short protein forms H775Y, H748Y.
Identifiers: ClinVar variation 1407874 (VCV001407874.8), dbSNP rs1023996835, ClinGen allele CA37111566.
Genomic context (GRCh38, chr1:210,683,928, plus strand): 5'-CAGGACTCTCACGCACGGTGACCACGCTGGCCTTCACGAGGCTGTGGTTGGCGGAGGCAT[G>A]CTCTGTAAGGACATTGCCCTTCTCCACATCTAGGTCATCCAGGTCCCGGCCCCCTCTCTC-3'
Protein context (NP_758872.1, residues 765-785): DVEKGNVLTE[His775Tyr]ASANHSLVKA